The following is an entry in ClinVar:

NM_015346.4(ZFYVE26):c.646G>A (p.Asp216Asn)

Gene: ZFYVE26 (zinc finger FYVE-type containing 26; minus strand). Cytogenetic location: 14q24.1.
Variant type: single nucleotide variant.
Coding change: c.646G>A on transcript NM_015346.4 (MANE Select); coding-DNA position 646, G replaced by A.
Protein change: p.Asp216Asn; replaces aspartic acid 216 with asparagine.
Molecular consequence: missense variant.
Genome position (GRCh38, 1-based): chr14:67,807,638, C>T on the plus strand (G>A on the coding strand, the complement: ZFYVE26 is on the minus strand). VCF-style: chr14-67807638-C-T. GRCh37 (hg19) VCF-style: chr14-68274355-C-T.
Other names: short protein forms D216N.
Identifiers: ClinVar variation 886319 (VCV000886319.8), dbSNP rs562335179, ClinGen allele CA7240746.

ClinVar aggregate classification (germline): Uncertain significance. Review status: criteria provided, multiple submitters, no conflicts (2 of 4 stars). 5 submissions from 5 submitters: Uncertain significance (5). Last evaluated 2026-09-01.

Conditions:
Inborn genetic diseases. Identifiers: MedGen C0950123, MeSH D030342.
Spastic paraplegia. Identifiers: MedGen C0037772, HP:0001258.
Hereditary spastic paraplegia 15 (SPG15). Also called: SPASTIC PARAPLEGIA 15, AUTOSOMAL RECESSIVE; SPASTIC PARAPLEGIA AND RETINAL DEGENERATION; KJELLIN SYNDROME. Identifiers: Orphanet 100996, MedGen C1849128, MONDO:0010044, OMIM 270700.

Allele frequency attached by ClinVar (database versions not stated): gnomAD exomes 0.00007 and 0.00012; TOPMed 0.00008; gnomAD 0.00009 and 0.00011; ExAC 0.00012; 1000 Genomes Project 30x 0.00016.
gnomAD v4.1: 121 of 1,614,178 alleles (0.0075%); highest among the groups gnomAD compares: South Asian, 0.056%; no homozygotes.

Submissions (5):

CeGaT Center for Human Genetics Tuebingen
Classification: Uncertain significance. Last evaluated: 2026-09-01. Review status: criteria provided, single submitter. Criteria: CeGaT Center For Human Genetics Tuebingen Variant Classification Criteria Version 2. Collection method: clinical testing. Allele origin: germline. Affected: yes. Observed: 1 variant allele.
Comment: ZFYVE26: PM2, BP4

Ambry Genetics
Classification: Uncertain significance for Inborn genetic diseases. Last evaluated: 2025-01-19. Review status: criteria provided, single submitter. Criteria: Ambry Variant Classification Scheme 2023. Collection method: clinical testing. Allele origin: germline.

Blueprint Genetics
Classification: Uncertain significance. Last evaluated: 2024-07-22. Review status: criteria provided, single submitter. Criteria: ACMG Guidelines, 2015. Collection method: clinical testing. Allele origin: germline.

Labcorp Genetics (formerly Invitae), Labcorp
Classification: Uncertain significance for Spastic paraplegia. Last evaluated: 2022-02-28. Review status: criteria provided, single submitter. Criteria: Invitae Variant Classification Sherloc (09022015). Collection method: clinical testing. Allele origin: germline.
Comment: This sequence change replaces aspartic acid, which is acidic and polar, with asparagine, which is neutral and polar, at codon 216 of the ZFYVE26 protein (p.Asp216Asn). This variant is present in population databases (rs562335179, gnomAD 0.06%). This variant has not been reported in the literature in individuals affected with ZFYVE26-related conditions. ClinVar contains an entry for this variant (Variation ID: 886319). Algorithms developed to predict the effect of missense changes on protein structure and function output the following: SIFT: "Deleterious"; PolyPhen-2: "Benign"; Align-GVGD: "Class C0". The asparagine amino acid residue is found in multiple mammalian species, which suggests that this missense change does not adversely affect protein function. In summary, the available evidence is currently insufficient to determine the role of this variant in disease. Therefore, it has been classified as a Variant of Uncertain Significance.

Illumina Laboratory Services, Illumina
Classification: Uncertain significance for Hereditary spastic paraplegia 15. Last evaluated: 2018-01-13. Review status: criteria provided, single submitter. Criteria: ICSL Variant Classification Criteria 13 December 2019. Collection method: clinical testing. Allele origin: germline.